The following is an entry in ClinVar:

NM_002386.4(MC1R):c.657G>C (p.Gln219His)

Gene: MC1R (melanocortin 1 receptor; plus strand). Cytogenetic location: 16q24.3.
Variant type: single nucleotide variant.
Coding change: c.657G>C on transcript NM_002386.4 (MANE Select); coding-DNA position 657, G replaced by C.
Protein change: p.Gln219His; replaces glutamine 219 with histidine.
Molecular consequence: missense variant.
Genome position (GRCh38, 1-based): chr16:89,919,915, G>C. VCF-style: chr16-89919915-G-C. GRCh37 (hg19) VCF-style: chr16-89986323-G-C.
Other names: short protein forms Q219H.
Identifiers: ClinVar variation 3543994 (VCV003543994.1).

ClinVar aggregate classification (germline): Uncertain significance (1 of 4 stars; one submission).

Submission:

Ambry Genetics
Classification: Uncertain significance. Last evaluated: 2024-12-08. Review status: criteria provided, single submitter. Criteria: Ambry Variant Classification Scheme 2023. Collection method: clinical testing. Allele origin: germline.
Comment: The p.Q219H variant (also known as c.657G>C), located in coding exon 1 of the MC1R gene, results from a G to C substitution at nucleotide position 657. The glutamine at codon 219 is replaced by histidine, an amino acid with highly similar properties. This amino acid position is conserved. In addition, this alteration is predicted to be tolerated by in silico analysis. Based on the available evidence, the clinical significance of this variant remains unclear.